The following is an entry in ClinVar:

ClinVar aggregate classification (germline): Uncertain significance (1 of 4 stars; one submission).

Conditions:
Baller-Gerold syndrome (BGS). Also called: CRANIOSYNOSTOSIS WITH RADIAL DEFECTS. Identifiers: Orphanet 1225, MedGen C0265308, MONDO:0009039, OMIM 218600.

Allele frequency attached by ClinVar (database versions not stated): gnomAD 0.00001; gnomAD exomes 0.00003; ExAC 0.00006; 1000 Genomes Project 30x 0.00016; 1000 Genomes Project 0.00020.

Submission:

Labcorp Genetics (formerly Invitae), Labcorp
Classification: Uncertain significance for Baller-Gerold syndrome. Last evaluated: 2025-10-21. Review status: criteria provided, single submitter. Criteria: Invitae Variant Classification Sherloc (09022015). Collection method: clinical testing. Allele origin: germline.
Comment: This sequence change replaces glutamic acid, which is acidic and polar, with lysine, which is basic and polar, at codon 266 of the RECQL4 protein (p.Glu266Lys). This variant is present in population databases (rs543009701, gnomAD 0.05%). This variant has not been reported in the literature in individuals affected with RECQL4-related conditions. ClinVar contains an entry for this variant (Variation ID: 641750). Invitae Evidence Modeling of protein sequence and biophysical properties (such as structural, functional, and spatial information, amino acid conservation, physicochemical variation, residue mobility, and thermodynamic stability) indicates that this missense variant is not expected to disrupt RECQL4 protein function with a negative predictive value of 80%. In summary, the available evidence is currently insufficient to determine the role of this variant in disease. Therefore, it has been classified as a Variant of Uncertain Significance.

NM_004260.4(RECQL4):c.796G>A (p.Glu266Lys)

Gene: RECQL4 (RecQ like helicase 4; minus strand). Cytogenetic location: 8q24.3.
Variant type: single nucleotide variant.
Coding change: c.796G>A on transcript NM_004260.4 (MANE Select); coding-DNA position 796, G replaced by A.
Protein change: p.Glu266Lys; replaces glutamic acid 266 with lysine.
Molecular consequence: missense variant.
Genome position (GRCh38, 1-based): chr8:144,516,323, C>T on the plus strand (G>A on the coding strand, the complement: RECQL4 is on the minus strand). VCF-style: chr8-144516323-C-T. GRCh37 (hg19) VCF-style: chr8-145741707-C-T.
Other names: short protein forms E266K.
Identifiers: ClinVar variation 641750 (VCV000641750.7), dbSNP rs543009701, ClinGen allele CA4949174.